The following is an entry in ClinVar:

NM_000321.3(RB1):c.1128-106_1128del

Gene: RB1 (RB transcriptional corepressor 1; plus strand). Cytogenetic location: 13q14.2.
Variant type: Deletion.
Coding change: c.1128-106_1128del on transcript NM_000321.3 (MANE Select); 106 bases into the intron before coding-DNA position 1128 through coding-DNA position 1128, 107 bases deleted.
Molecular consequence: splice acceptor variant.
Genome position (GRCh38, 1-based): chr13:48,373,299-48,373,405, 107 bases deleted. GRCh37 (hg19): chr13:48,947,435-48,947,541.
Other names: c.1128-106_1128del (NM_001407165.1, NM_001407166.1).
Identifiers: ClinVar variation 3231181 (VCV003231181.2), dbSNP rs2542194514, ClinGen allele CA2825002182.

ClinVar aggregate classification (germline): Likely pathogenic (1 of 4 stars; one submission).

Conditions:
Hereditary cancer-predisposing syndrome. Also called: Tumor predisposition; Hereditary Cancer Syndrome; Hereditary neoplastic syndrome; Neoplastic Syndromes, Hereditary. Identifiers: Orphanet 140162, MedGen C0027672, MeSH D009386, MONDO:0015356.

Submission:

Ambry Genetics
Classification: Likely pathogenic for Hereditary cancer-predisposing syndrome. Last evaluated: 2026-02-18. Review status: criteria provided, single submitter. Criteria: Ambry Variant Classification Scheme 2023. Collection method: clinical testing. Allele origin: germline.
Comment: The c.1128-106_1128del107 variant results from a deletion of 107 nucleotides at positions c.1128-106 to c.1128 and involves the canonical splice acceptor site before coding exon 12 of the RB1 gene. This alteration has been observed in at least one individual with a personal and/or family history that is consistent with RB1-related disease (Ambry internal data). The canonical splice acceptor site is highly conserved in available vertebrate species. In silico splice site analysis predicts that this alteration will weaken the native splice acceptor site; however direct evidence is insufficient (Ambry internal data). This variant is considered to be rare based on population cohorts in the Genome Aggregation Database (gnomAD). Alterations that disrupt the canonical splice site are expected to cause aberrant splicing, resulting in an abnormal protein or a transcript that is subject to nonsense-mediated mRNA decay. As such, this alteration is classified as likely pathogenic.